The following is an entry in ClinVar:

NM_024675.4(PALB2):c.2127T>G (p.Asn709Lys)

Gene: PALB2 (partner and localizer of BRCA2; minus strand). Cytogenetic location: 16p12.2.
Variant type: single nucleotide variant.
Coding change: c.2127T>G on transcript NM_024675.4 (MANE Select); coding-DNA position 2127, T replaced by G.
Protein change: p.Asn709Lys; replaces asparagine 709 with lysine.
Molecular consequence: missense variant. On other transcripts: intron variant (1).
Genome position (GRCh38, 1-based): chr16:23,630,027, A>C on the plus strand (T>G on the coding strand, the complement: PALB2 is on the minus strand). VCF-style: chr16-23630027-A-C. GRCh37 (hg19) VCF-style: chr16-23641348-A-C.
Other names: c.2067T>G, p.Asn689Lys (NM_001407296.1); c.2127T>G, p.Asn709Lys (NM_001407297.1, NM_001407298.1, NM_001407299.1 and 3 more transcripts); c.1242T>G, p.Asn414Lys (NM_001407304.1, NM_001407305.1, NM_001407306.1 and 5 more transcripts); c.339T>G, p.Asn113Lys (NM_001407312.1, NM_001407313.1); c.49-752T>G (NM_001407314.1); short protein forms N113K, N414K, N689K, N709K.
Identifiers: ClinVar variation 3894086 (VCV003894086.1).

ClinVar aggregate classification (germline): Uncertain significance (1 of 4 stars; one submission).

Conditions:
Hereditary cancer-predisposing syndrome. Also called: Neoplastic Syndromes, Hereditary; Tumor predisposition; Hereditary Cancer Syndrome; Hereditary neoplastic syndrome. Identifiers: Orphanet 140162, MedGen C0027672, MeSH D009386, MONDO:0015356.

Submission:

Color Diagnostics, LLC DBA Color Health
Classification: Uncertain significance for Hereditary cancer-predisposing syndrome. Last evaluated: 2024-09-10. Review status: criteria provided, single submitter. Criteria: ACMG Guidelines, 2015. Collection method: clinical testing. Allele origin: germline.
Comment: This missense variant replaces asparagine with lysine at codon 709 of the PALB2 protein. Computational prediction suggests that this variant may not impact protein structure and function. To our knowledge, functional studies have not been reported for this variant. This variant has been reported in an individual affected with breast cancer (PMID: 31867841). This variant has not been identified in the general population by the Genome Aggregation Database (gnomAD). The available evidence is insufficient to determine the role of this variant in disease conclusively. Therefore, this variant is classified as a Variant of Uncertain Significance.

Literature cited by the submitters: PubMed 31867841.